The following is an entry in ClinVar:

ClinVar aggregate classification (germline): Uncertain significance. Review status: criteria provided, multiple submitters, no conflicts (2 of 4 stars). 2 submissions from 2 submitters: Uncertain significance (2). Last evaluated 2024-05-23.

Conditions:
Hematuria, benign familial, 2 (BFH2). Identifiers: MedGen C5830421, MONDO:0958186, OMIM 620320.
Autosomal dominant Alport syndrome (ATS3A). Also called: Alport syndrome dominant type; Renal failure and sensorineural hearing loss; ALPORT SYNDROME 3A, AUTOSOMAL DOMINANT. Identifiers: Orphanet 63, Orphanet 88918, MedGen C5882663, MONDO:0007086, OMIM 104200.
Alport syndrome 3b, autosomal recessive. Identifiers: MedGen C5882699, MONDO:0957811, OMIM 620536.

Allele frequency attached by ClinVar (database versions not stated): gnomAD exomes below 0.00001; TOPMed below 0.00001; ExAC 0.00001.
gnomAD v4.1: 6 of 1,614,122 alleles (0.00037%); highest among the groups gnomAD compares: Admixed American, 0.0017%; no homozygotes.

Submissions (2):

Fulgent Genetics
Classification: Uncertain significance for Autosomal dominant Alport syndrome; Hematuria, benign familial, 2; Alport syndrome 3b, autosomal recessive. Last evaluated: 2024-05-23. Review status: criteria provided, single submitter. Criteria: ACMG Guidelines, 2015. Collection method: clinical testing. Allele origin: germline.

Labcorp Genetics (formerly Invitae), Labcorp
Classification: Uncertain significance. Last evaluated: 2022-02-20. Review status: criteria provided, single submitter. Criteria: Invitae Variant Classification Sherloc (09022015). Collection method: clinical testing. Allele origin: germline.
Comment: This sequence change replaces isoleucine, which is neutral and non-polar, with valine, which is neutral and non-polar, at codon 1353 of the COL4A3 protein (p.Ile1353Val). This variant is present in population databases (rs779233761, gnomAD 0.003%). This variant has not been reported in the literature in individuals affected with COL4A3-related conditions. Advanced modeling of protein sequence and biophysical properties (such as structural, functional, and spatial information, amino acid conservation, physicochemical variation, residue mobility, and thermodynamic stability) performed at Invitae indicates that this missense variant is not expected to disrupt COL4A3 protein function. In summary, the available evidence is currently insufficient to determine the role of this variant in disease. Therefore, it has been classified as a Variant of Uncertain Significance.

NM_000091.5(COL4A3):c.4057A>G (p.Ile1353Val)

Genes: COL4A3 (collagen type IV alpha 3 chain; plus strand), MFF-DT (MFF divergent transcript; minus strand). Cytogenetic location: 2q36.3.
Variant type: single nucleotide variant.
Coding change: c.4057A>G on transcript NM_000091.5 (MANE Select); coding-DNA position 4057, A replaced by G.
Protein change: p.Ile1353Val; replaces isoleucine 1353 with valine.
Molecular consequence: missense variant.
Genome position (GRCh38, 1-based): chr2:227,304,048, A>G. VCF-style: chr2-227304048-A-G. GRCh37 (hg19) VCF-style: chr2-228168764-A-G.
Other names: short protein forms I1353V.
Identifiers: ClinVar variation 2183373 (VCV002183373.2), dbSNP rs779233761, ClinGen allele CA2147440.
Genomic context (GRCh38, chr2:227,304,048, plus strand): 5'-CATCATCTTCTTCTTATGTTTATGTCAACAGGTGTACGTGGAGACCCTGGCACACTTAAG[A>G]TTATCTCCCTTCCAGGAAGCCCAGGGCCACCTGGCACACCTGGAGAACCAGGGATGCAGG-3'
Protein context (NP_000082.2, residues 1343-1363): GVRGDPGTLK[Ile1353Val]ISLPGSPGPP